The following is an entry in ClinVar:

ClinVar aggregate classification (germline): Conflicting classifications of pathogenicity. Review status: criteria provided, conflicting classifications (1 of 4 stars). 2 submissions from 2 submitters: Uncertain significance (1); Likely benign (1). Last evaluated 2025-10-20.

Conditions:
Developmental and epileptic encephalopathy 94 (DEE94). Also called: Epileptic encephalopathy, childhood-onset; CHD2-Related Neurodevelopmental Disorders. Identifiers: Orphanet 1942, Orphanet 2382, MedGen C3809278, MONDO:0014150, OMIM 615369.
Inborn genetic diseases. Identifiers: MedGen C0950123, MeSH D030342.

Allele frequency attached by ClinVar (database versions not stated): gnomAD exomes below 0.00001; TOPMed below 0.00001.

Submissions (2):

Labcorp Genetics (formerly Invitae), Labcorp
Classification: Likely benign for Developmental and epileptic encephalopathy 94. Last evaluated: 2025-10-20. Review status: criteria provided, single submitter. Criteria: Invitae Variant Classification Sherloc (09022015). Collection method: clinical testing. Allele origin: germline.

Ambry Genetics
Classification: Uncertain significance for Inborn genetic diseases. Last evaluated: 2018-11-12. Review status: criteria provided, single submitter. Criteria: Ambry Variant Classification Scheme 2023. Collection method: clinical testing. Allele origin: germline.
Comment: The p.R1725Q variant (also known as c.5174G>A), located in coding exon 38 of the CHD2 gene, results from a G to A substitution at nucleotide position 5174. The arginine at codon 1725 is replaced by glutamine, an amino acid with highly similar properties. This amino acid position is highly conserved in available vertebrate species. In addition, the in silico prediction for this alteration is inconclusive. Since supporting evidence is limited at this time, the clinical significance of this alteration remains unclear.

NM_001271.4(CHD2):c.5174G>A (p.Arg1725Gln)

Gene: CHD2 (chromodomain helicase DNA binding protein 2; plus strand). Cytogenetic location: 15q26.1.
Variant type: single nucleotide variant.
Coding change: c.5174G>A on transcript NM_001271.4 (MANE Select); coding-DNA position 5174, G replaced by A.
Protein change: p.Arg1725Gln; replaces arginine 1725 with glutamine.
Molecular consequence: missense variant.
Genome position (GRCh38, 1-based): chr15:93,024,392, G>A. VCF-style: chr15-93024392-G-A. GRCh37 (hg19) VCF-style: chr15-93567622-G-A.
Other names: short protein forms R1725Q.
Identifiers: ClinVar variation 833909 (VCV000833909.12), dbSNP rs1240488615, ClinGen allele CA393908218.
Genomic context (GRCh38, chr15:93,024,392, plus strand): 5'-GGCTTCAGTCTTTCGACTAATCCTTGCATCTCTATTTCAGGCACCATCATGACTCCAAGC[G>A]GAGGAGATCCGATGAATTTAGGCCTCAAAATTACCACCAGCAGGATTTCCGACGAATGTC-3'
Protein context (NP_001262.3, residues 1715-1735): YYDRHHHDSK[Arg1725Gln]RRSDEFRPQN